The following is an entry in ClinVar:

ClinVar aggregate classification (germline): Uncertain significance. Review status: criteria provided, multiple submitters, no conflicts (2 of 4 stars). 2 submissions from 2 submitters: Uncertain significance (2). Last evaluated 2025-10-09.

Conditions:
Progressive familial heart block type IB (PFHB1B). Identifiers: Orphanet 871, MedGen C1970298, MONDO:0011474, OMIM 604559.
Cardiovascular phenotype. Identifiers: MedGen CN230736.

Submissions (2):

Labcorp Genetics (formerly Invitae), Labcorp
Classification: Uncertain significance for Progressive familial heart block type IB. Last evaluated: 2025-10-09. Review status: criteria provided, single submitter. Criteria: Invitae Variant Classification Sherloc (09022015). Collection method: clinical testing. Allele origin: germline.
Comment: This sequence change replaces proline, which is neutral and non-polar, with leucine, which is neutral and non-polar, at codon 1101 of the TRPM4 protein (p.Pro1101Leu). This variant is present in population databases (rs774531670, gnomAD 0.01%). This variant has not been reported in the literature in individuals affected with TRPM4-related conditions. ClinVar contains an entry for this variant (Variation ID: 3329261). An algorithm developed to predict the effect of missense changes on protein structure and function (PolyPhen-2) suggests that this variant is likely to be tolerated. In summary, the available evidence is currently insufficient to determine the role of this variant in disease. Therefore, it has been classified as a Variant of Uncertain Significance.

Ambry Genetics
Classification: Uncertain significance for Cardiovascular phenotype. Last evaluated: 2024-03-31. Review status: criteria provided, single submitter. Criteria: Ambry Variant Classification Scheme 2023. Collection method: clinical testing. Allele origin: germline.

NM_017636.4(TRPM4):c.3302C>T (p.Pro1101Leu)

Gene: TRPM4 (transient receptor potential cation channel subfamily M member 4; plus strand). Cytogenetic location: 19q13.33.
Variant type: single nucleotide variant.
Coding change: c.3302C>T on transcript NM_017636.4 (MANE Select); coding-DNA position 3302, C replaced by T.
Protein change: p.Pro1101Leu; replaces proline 1101 with leucine.
Molecular consequence: missense variant.
Genome position (GRCh38, 1-based): chr19:49,210,379, C>T. VCF-style: chr19-49210379-C-T. GRCh37 (hg19) VCF-style: chr19-49713636-C-T.
Other names: c.2867C>T, p.Pro956Leu (NM_001195227.2); c.2957C>T, p.Pro986Leu (NM_001321281.2); c.1694C>T, p.Pro565Leu (NM_001321282.2); c.2780C>T, p.Pro927Leu (NM_001321283.2); c.2240C>T, p.Pro747Leu (NM_001321285.2); short protein forms P956L, P986L, P1101L, P747L, P565L, P927L.
Identifiers: ClinVar variation 3329261 (VCV003329261.2).